The following is an entry in ClinVar:

NM_152281.3(GORAB):c.657C>T (p.Tyr219=)

Gene: GORAB (golgin, RAB6 interacting; plus strand). Cytogenetic location: 1q24.2.
Variant type: single nucleotide variant.
Coding change: c.657C>T on transcript NM_152281.3 (MANE Select); coding-DNA position 657, C replaced by T.
Protein change: p.Tyr219=; no amino-acid change (tyrosine 219 retained).
Molecular consequence: synonymous variant. On other transcripts: non-coding transcript variant (1).
Genome position (GRCh38, 1-based): chr1:170,544,840, C>T. VCF-style: chr1-170544840-C-T. GRCh37 (hg19) VCF-style: chr1-170513981-C-T.
Other names: c.657C>T, p.Tyr219= (NM_001146039.2); c.192C>T, p.Tyr64= (NM_001320252.2).
Identifiers: ClinVar variation 293659 (VCV000293659.15), dbSNP rs76365864, ClinGen allele CA1239195.
Genomic context (GRCh38, chr1:170,544,840, plus strand): 5'-GTCAGCTGACATTGGAATTCTCAGGAACCGGATTGATCAGGCCAGCTTAGACTATTCATA[C>T]GCTCGGTGAGTTGGGGAAATTGAATCTGAACAAGGAGTATGATTTAATTAATGTTTATTG-3'
Protein context (NP_689494.3, residues 209-229): RIDQASLDYS[Tyr219=]ARKRFDRAEA

ClinVar aggregate classification (germline): Benign. Review status: criteria provided, multiple submitters, no conflicts (2 of 4 stars). 5 submissions from 5 submitters: Benign (5). Last evaluated 2026-01-31.

Conditions:
Geroderma osteodysplastica (GO). Also called: WALT DISNEY DWARFISM; Geroderma osteodysplasticum. Identifiers: Orphanet 2078, MedGen C0432255, MONDO:0009271, OMIM 231070.

Allele frequency attached by ClinVar (database versions not stated): gnomAD exomes 0.00245; ExAC 0.00280; gnomAD 0.00929 and 0.00986; ESP Exome Variant Server 0.01015; TOPMed 0.01042; 1000 Genomes Project 0.01058; 1000 Genomes Project 30x 0.01187.
gnomAD v4.1: 2,765 of 1,608,462 alleles (0.17%); highest among the groups gnomAD compares: African/African-American, 3%; 43 homozygotes.

Submissions (5):

Labcorp Genetics (formerly Invitae), Labcorp
Classification: Benign. Last evaluated: 2026-01-31. Review status: criteria provided, single submitter. Criteria: Invitae Variant Classification Sherloc (09022015). Collection method: clinical testing. Allele origin: germline.

ARUP Laboratories, Molecular Genetics and Genomics, ARUP Laboratories
Classification: Benign for Geroderma osteodysplastica. Last evaluated: 2023-11-06. Review status: criteria provided, single submitter. Criteria: ARUP Molecular Germline Variant Investigation Process 2024. Collection method: clinical testing. Allele origin: germline.

Genome-Nilou Lab
Classification: Benign for Geroderma osteodysplastica. Last evaluated: 2023-04-11. Review status: criteria provided, single submitter. Criteria: ACMG Guidelines, 2015. Collection method: clinical testing. Allele origin: germline. Affected: no.

Illumina Laboratory Services, Illumina
Classification: Benign for Geroderma osteodysplastica. Last evaluated: 2018-01-12. Review status: criteria provided, single submitter. Criteria: ICSL Variant Classification Criteria 13 December 2019. Collection method: clinical testing. Allele origin: germline.
Comment: This variant was observed in the ICSL laboratory as part of a predisposition screen in an ostensibly healthy population. It had not been previously curated by ICSL or reported in the Human Gene Mutation Database (HGMD: prior to June 1st, 2018), and was therefore a candidate for classification through an automated scoring system. Utilizing variant allele frequency, disease prevalence and penetrance estimates, and inheritance mode, an automated score was calculated to assess if this variant is too frequent to cause the disease. Based on the score and internal cut-off values, a variant classified as benign is not then subjected to further curation. The score for this variant resulted in a classification of benign for this disease.

Breakthrough Genomics
Classification: Benign. Review status: criteria provided, single submitter. Criteria: ACMG Guidelines, 2015. Collection method: not provided. Allele origin: germline. Inheritance: Autosomal recessive inheritance. Affected: yes.